The following is an entry in ClinVar:

ClinVar aggregate classification (germline): Pathogenic. Review status: criteria provided, multiple submitters, no conflicts (2 of 4 stars). 3 submissions from 3 submitters: Pathogenic (3). Last evaluated 2025-06-06.

Conditions:
Hereditary cancer-predisposing syndrome. Also called: Hereditary neoplastic syndrome; Tumor predisposition; Neoplastic Syndromes, Hereditary; Hereditary Cancer Syndrome. Identifiers: Orphanet 140162, MedGen C0027672, MeSH D009386, MONDO:0015356.
Cardiovascular phenotype. Identifiers: MedGen CN230736.
Neurofibromatosis, type 1 (NF1). Also called: Neurofibromatosis, type I; VON RECKLINGHAUSEN DISEASE; Peripheral type neurofibromatosis; NEUROFIBROMATOSIS, TYPE I, SOMATIC. Identifiers: Orphanet 636, MedGen C0027831, MONDO:0018975, OMIM 162200. Disease mechanism: loss of function.

Submissions (3):

Labcorp Genetics (formerly Invitae), Labcorp
Classification: Pathogenic for Neurofibromatosis, type 1. Last evaluated: 2025-06-06. Review status: criteria provided, single submitter. Criteria: Invitae Variant Classification Sherloc (09022015). Collection method: clinical testing. Allele origin: germline.
Comment: This sequence change creates a premature translational stop signal (p.Arg2403Lysfs*3) in the NF1 gene. It is expected to result in an absent or disrupted protein product. Loss-of-function variants in NF1 are known to be pathogenic (PMID: 10712197, 23913538). This variant is not present in population databases (gnomAD no frequency). This premature translational stop signal has been observed in individual(s) with neurofibromatosis type 1 (PMID: 10712197). ClinVar contains an entry for this variant (Variation ID: 856570). For these reasons, this variant has been classified as Pathogenic.

Ambry Genetics
Classification: Pathogenic for Cardiovascular phenotype; Hereditary cancer-predisposing syndrome. Last evaluated: 2025-03-15. Review status: criteria provided, single submitter. Criteria: Ambry Variant Classification Scheme 2023. Collection method: clinical testing. Allele origin: germline.
Comment: The c.7208_7209delGA pathogenic mutation, located in coding exon 48 of the NF1 gene, results from a deletion of two nucleotides at nucleotide positions 7208 to 7209, causing a translational frameshift with a predicted alternate stop codon (p.R2403Kfs*3). This variant was reported in individual(s) with features consistent with neurofibromatosis type I (Fahsold R et al. Am J Hum Genet. 2000 Mar;66:790-818; Sabbagh A et al. Hum Mutat. 2013 Nov;34:1510-8). This variant is considered to be rare based on population cohorts in the Genome Aggregation Database (gnomAD). In addition to the clinical data presented in the literature, this alteration is expected to result in loss of function by premature protein truncation or nonsense-mediated mRNA decay. As such, this alteration is interpreted as a disease-causing mutation.

Revvity Omics, Revvity
Classification: Pathogenic. Last evaluated: 2019-05-13. Review status: criteria provided, single submitter. Criteria: ACMG Guidelines, 2015. Collection method: clinical testing. Allele origin: germline.

Literature cited by the submitters: PubMed 10712197 (cited by Labcorp Genetics (formerly Invitae), Labcorp and Ambry Genetics); PubMed 23913538 (cited by Labcorp Genetics (formerly Invitae), Labcorp and Ambry Genetics).

NM_001042492.3(NF1):c.7271_7272del (p.Arg2424fs)

Gene: NF1 (neurofibromin 1; plus strand). Cytogenetic location: 17q11.2.
Variant type: Deletion.
Coding change: c.7271_7272del on transcript NM_001042492.3 (MANE Select); coding-DNA positions 7271 to 7272, 2 bases deleted (GA; older notation c.7271_7272delGA).
Protein change: p.Arg2424fs; shifts the reading frame from arginine 2424.
Molecular consequence: frameshift variant.
Genome position (GRCh38, 1-based): chr17:31,349,201-31,349,202, GA deleted; deleting any 2 consecutive bases within chr17:31,349,200-31,349,202 gives the same sequence; the c. name uses the placement nearest the transcript's 3' end. VCF-style (leftmost placement, unchanged base first): chr17-31349199-CAG-C. GRCh37 (hg19) VCF-style: chr17-29676217-CAG-C.
Other names: c.7208_7209delGA (NM_000267.3); c.7208_7209delGA, p.Arg2403Lysfs (NM_000267.4); short protein forms R2424fs, R2403fs.
Identifiers: ClinVar variation 856570 (VCV000856570.11), dbSNP rs2070076529, ClinGen allele CA658761019.
Genomic context (GRCh38, chr17:31,349,199, plus strand): 5'-TGCTATTGTTGCAAGAACAGTCAGAATTTTACATACACTACTAACTCTGGTTAACAAACA[CAG>C]AAATTGTGACAAATTTGAAGTGAATACACAGAGCGTGGCCTACTTAGCAGGTAAAAACAC-3'